The following is an entry in ClinVar:

NM_015386.3(COG4):c.151G>C (p.Glu51Gln)

Gene: COG4 (component of oligomeric golgi complex 4; minus strand). Cytogenetic location: 16q22.1.
Variant type: single nucleotide variant.
Coding change: c.151G>C on transcript NM_015386.3 (MANE Select); coding-DNA position 151, G replaced by C.
Protein change: p.Glu51Gln; replaces glutamic acid 51 with glutamine.
Molecular consequence: missense variant. On other transcripts: 5 prime UTR variant (1), non-coding transcript variant (1).
Genome position (GRCh38, 1-based): chr16:70,523,393, C>G on the plus strand (G>C on the coding strand, the complement: COG4 is on the minus strand). VCF-style: chr16-70523393-C-G. GRCh37 (hg19) VCF-style: chr16-70557296-C-G.
Other names: c.139G>C, p.Glu47Gln (NM_001195139.2); c.-449G>C (NM_001365426.1); short protein forms E47Q, E51Q.
Identifiers: ClinVar variation 1402723 (VCV001402723.9), dbSNP rs201370408, ClinGen allele CA8144822.

ClinVar aggregate classification (germline): Uncertain significance (1 of 4 stars; one submission).

Conditions:
COG4-congenital disorder of glycosylation. Also called: CONGENITAL DISORDER OF GLYCOSYLATION, TYPE IIj; CDG IIj; COG4-CDG. Identifiers: Orphanet 263501, MedGen C4303552, MONDO:0013281, OMIM 613489.

Allele frequency attached by ClinVar (database versions not stated): gnomAD 0.00004 and 0.00005; ExAC 0.00007; 1000 Genomes Project 30x 0.00016; 1000 Genomes Project 0.00020.
gnomAD v4.1: 34 of 1,614,170 alleles (0.0021%); highest among the groups gnomAD compares: East Asian, 0.065%; no homozygotes.

Submission:

Labcorp Genetics (formerly Invitae), Labcorp
Classification: Uncertain significance for COG4-congenital disorder of glycosylation. Last evaluated: 2024-11-05. Review status: criteria provided, single submitter. Criteria: Invitae Variant Classification Sherloc (09022015). Collection method: clinical testing. Allele origin: germline.
Comment: This sequence change replaces glutamic acid, which is acidic and polar, with glutamine, which is neutral and polar, at codon 51 of the COG4 protein (p.Glu51Gln). This variant is present in population databases (rs201370408, gnomAD 0.1%). This variant has not been reported in the literature in individuals affected with COG4-related conditions. ClinVar contains an entry for this variant (Variation ID: 1402723). Invitae Evidence Modeling of protein sequence and biophysical properties (such as structural, functional, and spatial information, amino acid conservation, physicochemical variation, residue mobility, and thermodynamic stability) indicates that this missense variant is not expected to disrupt COG4 protein function with a negative predictive value of 80%. In summary, the available evidence is currently insufficient to determine the role of this variant in disease. Therefore, it has been classified as a Variant of Uncertain Significance.